The following is an entry in ClinVar:

ClinVar aggregate classification (germline): Conflicting classifications of pathogenicity. Review status: criteria provided, conflicting classifications (1 of 4 stars). 2 submissions from 2 submitters: Uncertain significance (1); Benign (1). Last evaluated 2025-09-25.

Conditions:
Hereditary cancer-predisposing syndrome. Also called: Tumor predisposition; Hereditary neoplastic syndrome; Hereditary Cancer Syndrome; Neoplastic Syndromes, Hereditary. Identifiers: Orphanet 140162, MedGen C0027672, MeSH D009386, MONDO:0015356.

Submissions (2):

Ambry Genetics
Classification: Benign for Hereditary cancer-predisposing syndrome. Last evaluated: 2025-09-25. Review status: criteria provided, single submitter. Criteria: Ambry Variant Classification Scheme 2023. Collection method: clinical testing. Allele origin: germline.

Color Diagnostics, LLC DBA Color Health
Classification: Uncertain significance for Hereditary cancer-predisposing syndrome. Last evaluated: 2024-03-06. Review status: criteria provided, single submitter. Criteria: ACMG Guidelines, 2015. Collection method: clinical testing. Allele origin: germline.
Comment: This missense variant replaces glycine with aspartic acid at codon 77 of the RAD51C protein. Computational prediction suggests that this variant may not impact protein structure and function (internally defined REVEL score threshold <= 0.5, PMID: 27666373). To our knowledge, functional studies have not been reported for this variant. This variant has not been reported in individuals affected with hereditary cancer in the literature. This variant has not been identified in the general population by the Genome Aggregation Database (gnomAD). The available evidence is insufficient to determine the role of this variant in disease conclusively. Therefore, this variant is classified as a Variant of Uncertain Significance.

NM_058216.3(RAD51C):c.230G>A (p.Gly77Asp)

Gene: RAD51C (RAD51 paralog C; plus strand). Cytogenetic location: 17q22.
Variant type: single nucleotide variant.
Coding change: c.230G>A on transcript NM_058216.3 (MANE Select); coding-DNA position 230, G replaced by A.
Protein change: p.Gly77Asp; replaces glycine 77 with aspartic acid.
Molecular consequence: missense variant. On other transcripts: non-coding transcript variant (2).
Genome position (GRCh38, 1-based): chr17:58,695,015, G>A. VCF-style: chr17-58695015-G-A. GRCh37 (hg19) VCF-style: chr17-56772376-G-A.
Other names: c.230G>A, p.Gly77Asp (NM_002876.4); short protein forms G77D.
Identifiers: ClinVar variation 1172053 (VCV001172053.6), dbSNP rs1449359018, ClinGen allele CA400340218.